The following is an entry in ClinVar:

ClinVar aggregate classification (germline): Uncertain significance. Review status: criteria provided, multiple submitters, no conflicts (2 of 4 stars). 3 submissions from 3 submitters: Uncertain significance (3). Last evaluated 2025-03-07.

Conditions:
Renal tubular acidosis, distal, 3, with or without sensorineural hearing loss (DRTA3). Identifiers: MedGen C5399980, MONDO:0011268, OMIM 602722.

Allele frequency attached by ClinVar (database versions not stated): gnomAD 0.00001; ExAC 0.00003; gnomAD exomes 0.00005.
gnomAD v4.1: 20 of 1,612,672 alleles (0.0012%); highest among the groups gnomAD compares: Admixed American, 0.03%; no homozygotes.

Submissions (3):

Women's Health and Genetics/Laboratory Corporation of America, LabCorp
Classification: Uncertain significance. Last evaluated: 2025-03-07. Review status: criteria provided, single submitter. Criteria: LabCorp Variant Classification Summary - May 2015. Collection method: clinical testing. Allele origin: germline.

Fulgent Genetics
Classification: Uncertain significance for Renal tubular acidosis, distal, 3, with or without sensorineural hearing loss. Last evaluated: 2022-04-28. Review status: criteria provided, single submitter. Criteria: ACMG Guidelines, 2015. Collection method: clinical testing. Allele origin: unknown.

Labcorp Genetics (formerly Invitae), Labcorp
Classification: Uncertain significance. Last evaluated: 2021-09-02. Review status: criteria provided, single submitter. Criteria: Invitae Variant Classification Sherloc (09022015). Collection method: clinical testing. Allele origin: germline.
Comment: This sequence change falls in intron 11 of the ATP6V0A4 gene. It does not directly change the encoded amino acid sequence of the ATP6V0A4 protein. It affects a nucleotide within the consensus splice site of the intron. This variant is present in population databases (rs745448000, ExAC 0.03%). This variant has not been reported in the literature in individuals affected with ATP6V0A4-related conditions. Variants that disrupt the consensus splice site are a relatively common cause of aberrant splicing (PMID: 17576681, 9536098). Algorithms developed to predict the effect of sequence changes on RNA splicing suggest that this variant may create or strengthen a splice site. In summary, the available evidence is currently insufficient to determine the role of this variant in disease. Therefore, it has been classified as a Variant of Uncertain Significance.

Literature cited by the submitters: PubMed 17576681 (cited by Labcorp Genetics (formerly Invitae), Labcorp); PubMed 9536098 (cited by Labcorp Genetics (formerly Invitae), Labcorp).

NM_020632.3(ATP6V0A4):c.1029+4C>A

Gene: ATP6V0A4 (ATPase H+ transporting V0 subunit a4; minus strand). Cytogenetic location: 7q34.
Variant type: single nucleotide variant.
Coding change: c.1029+4C>A on transcript NM_020632.3 (MANE Select); 4 bases into the intron after coding-DNA position 1029, C replaced by A.
Molecular consequence: intron variant.
Genome position (GRCh38, 1-based): chr7:138,752,621, G>T on the plus strand (C>A on the coding strand, the complement: ATP6V0A4 is on the minus strand). VCF-style: chr7-138752621-G-T. GRCh37 (hg19) VCF-style: chr7-138437366-G-T.
Other names: c.1029+4C>A (NM_130840.3, NM_130841.3).
Identifiers: ClinVar variation 1364840 (VCV001364840.7), dbSNP rs745448000, ClinGen allele CA4504932.